The following is an entry in ClinVar:

NM_000593.6(TAP1):c.1120A>T (p.Met374Leu)

Gene: TAP1 (transporter 1, ATP binding cassette subfamily B member; minus strand). Cytogenetic location: 6p21.32.
Variant type: single nucleotide variant.
Coding change: c.1120A>T on transcript NM_000593.6 (MANE Select); coding-DNA position 1120, A replaced by T.
Protein change: p.Met374Leu; replaces methionine 374 with leucine.
Molecular consequence: missense variant.
Genome position (GRCh38, 1-based): chr6:32,850,448, T>A on the plus strand (A>T on the coding strand, the complement: TAP1 is on the minus strand). VCF-style: chr6-32850448-T-A. GRCh37 (hg19) VCF-style: chr6-32818225-T-A.
Other names: c.517A>T, p.Met173Leu (NM_001292022.2); short protein forms M434L, M173L, M374L.
Identifiers: ClinVar variation 466378 (VCV000466378.9), dbSNP rs779844691, ClinGen allele CA3746854.

ClinVar aggregate classification (germline): Uncertain significance (1 of 4 stars; one submission).

Conditions:
MHC class I deficiency. Identifiers: Orphanet 34592, MedGen C6024714, MONDO:0011476.

Allele frequency attached by ClinVar (database versions not stated): ExAC 0.00001; gnomAD exomes below 0.00001.
gnomAD v4.1: 14 of 1,614,248 alleles (0.00087%); highest among the groups gnomAD compares: Non-Finnish European, 0.0011%; no homozygotes.

Submission:

Labcorp Genetics (formerly Invitae), Labcorp
Classification: Uncertain significance for MHC class I deficiency 1. Last evaluated: 2018-11-01. Review status: criteria provided, single submitter. Criteria: Invitae Variant Classification Sherloc (09022015). Collection method: clinical testing. Allele origin: germline.
Comment: In summary, the available evidence is currently insufficient to determine the role of this variant in disease. Therefore, it has been classified as a Variant of Uncertain Significance. Algorithms developed to predict the effect of missense changes on protein structure and function do not agree on the potential impact of this missense change (SIFT: "Deleterious"; PolyPhen-2: "Possibly Damaging"; Align-GVGD: "Class C0"). This variant has not been reported in the literature in individuals with TAP1-related disease. This variant is present in population databases (rs779844691, ExAC 0.001%). This sequence change replaces methionine with leucine at codon 434 of the TAP1 protein (p.Met434Leu). The methionine residue is moderately conserved and there is a small physicochemical difference between methionine and leucine.